The following is an entry in ClinVar:

NM_004982.4(KCNJ8):c.327_341del (p.105MEKSG[1])

Genes: KCNJ8 (potassium inwardly rectifying channel subfamily J member 8; minus strand), KCNJ8-AS1 (KCNJ8 antisense RNA 1; plus strand). Cytogenetic location: 12p12.1.
Variant type: Deletion.
Coding change: c.327_341del on transcript NM_004982.4 (MANE Select); coding-DNA positions 327 to 341, 15 bases deleted (AATGGAGAAAAGTGG).
Protein change: p.105MEKSG[1].
Genome position (GRCh38, 1-based): chr12:21,773,276-21,773,290, CCACTTTTCTCCATT deleted on the plus strand (AATGGAGAAAAGTGG on the coding strand, the reverse complement: KCNJ8 is on the minus strand); deleting any 15 consecutive bases within chr12:21,773,276-21,773,304 gives the same sequence; the c. name uses the placement nearest the transcript's 3' end. VCF-style (leftmost placement, unchanged base first): chr12-21773275-ACCACTTTTCTCCATT-A. GRCh37 (hg19) VCF-style: chr12-21926209-ACCACTTTTCTCCATT-A.
Identifiers: ClinVar variation 4807656 (VCV004807656.1).

ClinVar aggregate classification (germline): Uncertain significance (1 of 4 stars; one submission).

Conditions:
Brugada syndrome. Also called: Sudden unexpected nocturnal death syndrome; Sudden unexplained nocturnal death syndrome; Sudden Unexplained Death Syndrome; Sudden Unexplained Nocturnal Death Syndrome (SUNDS). Identifiers: Orphanet 130, MedGen C1142166, MONDO:0015263.

Submission:

Labcorp Genetics (formerly Invitae), Labcorp
Classification: Uncertain significance for Brugada syndrome. Last evaluated: 2026-01-21. Review status: criteria provided, single submitter. Criteria: Invitae Variant Classification Sherloc (09022015). Collection method: clinical testing. Allele origin: germline.
Comment: This variant, c.327_341del, results in the deletion of 5 amino acid(s) of the KCNJ8 protein (p.Met110_Gly114del), but otherwise preserves the integrity of the reading frame. This variant is present in population databases (rs755198787, gnomAD 0.007%). This variant has not been reported in the literature in individuals affected with KCNJ8-related conditions. In summary, the available evidence is currently insufficient to determine the role of this variant in disease. Therefore, it has been classified as a Variant of Uncertain Significance.